The following is an entry in ClinVar:

NM_006734.4(HIVEP2):c.7130C>G (p.Pro2377Arg)

Gene: HIVEP2 (HIVEP zinc finger 2; minus strand). Cytogenetic location: 6q24.2.
Variant type: single nucleotide variant.
Coding change: c.7130C>G on transcript NM_006734.4 (MANE Select); coding-DNA position 7130, C replaced by G.
Protein change: p.Pro2377Arg; replaces proline 2377 with arginine.
Molecular consequence: missense variant.
Genome position (GRCh38, 1-based): chr6:142,753,318, G>C on the plus strand (C>G on the coding strand, the complement: HIVEP2 is on the minus strand). VCF-style: chr6-142753318-G-C. GRCh37 (hg19) VCF-style: chr6-143074455-G-C.
Other names: c.7130C>G, p.Pro2377Arg (NM_001438449.1, NM_001438450.1, NM_001438451.1); short protein forms P2377R.
Identifiers: ClinVar variation 4847236 (VCV004847236.1).
Genomic context (GRCh38, chr6:142,753,318, plus strand): 5'-AAATTGTCCTTTTCACCATCATGCAAGTCAGGGTGGGTGGCTGAGGTACAGGGCTGACCT[G>C]GCTCAGGTCTACTAAAGTGTCTAATGCTAACATGTGCACTTCCCAGGGGGTTCTGGTGGG-3'
Protein context (NP_006725.3, residues 2367-2387): VSIRHFSRPE[Pro2377Arg]GQPCTSATHP

ClinVar aggregate classification (germline): Uncertain significance (1 of 4 stars; one submission).

Submission:

Women's Health and Genetics/Laboratory Corporation of America, LabCorp
Classification: Uncertain significance. Last evaluated: 2026-03-13. Review status: criteria provided, single submitter. Criteria: LabCorp Variant Classification Summary - May 2015. Collection method: clinical testing. Allele origin: germline.
Comment: Variant summary: HIVEP2 c.7130C>G (p.Pro2377Arg) results in a non-conservative amino acid change in the encoded protein sequence. Algorithms developed to predict the effect of missense changes on protein structure and function are either unavailable or do not agree on the potential impact of this missense change. The variant was absent in 249114 control chromosomes. The available data on variant occurrences in the general population are insufficient to allow any conclusion about variant significance. To our knowledge, no occurrence of c.7130C>G in individuals affected with HIVEP2-related conditions and no experimental evidence demonstrating its impact on protein function have been reported. No submitters have cited clinical-significance assessments for this variant to ClinVar. Based on the evidence outlined above, the variant was classified as uncertain significance.